The following is an entry in ClinVar:

ClinVar aggregate classification (germline): Pathogenic (0 of 4 stars; one submission).

Conditions:
Familial hypokalemia-hypomagnesemia (GTLMNS). Also called: HYPOMAGNESEMIA-HYPOKALEMIA, PRIMARY RENOTUBULAR, WITH HYPOCALCIURIA; gitelman syndrome; POTASSIUM AND MAGNESIUM DEPLETION. Identifiers: Orphanet 358, MedGen C0268450, MONDO:0009904, OMIM 263800.

Submission:

Human Genetics Unit, University Of Colombo
Classification: Pathogenic for Familial hypokalemia-hypomagnesemia. Review status: no assertion criteria provided. Collection method: clinical testing. Allele origin: germline. Affected: yes. Observed: 2 variant alleles, 2 homozygotes. Clinical features observed: Hypokalemia, Hypokalemic alkalosis, Renal potassium wasting, Hypomagnesemia, Hypocalciuria.
Comment: Two siblings from a Sri Lankan non-consanguineous family presenting with hypokalaemia associated with renal potassium wasting, hypomagnesemia, hypocalciuria and hypereninemic hyperaldosteronism with normal blood pressure underwent genetic testing. It showed that both were homozygotes for a novel missense mutation in exon 10 of the SLC12A3 gene [NM_000339.2, c.1276A>T; p.N426Y], which has not previously been reported in the literature in association with GS. Both siblings had young onset Diabetes with strong family history.

NM_001126108.2(SLC12A3):c.1276A>T (p.Asn426Tyr)

Gene: SLC12A3 (solute carrier family 12 member 3; plus strand). Cytogenetic location: 16q13.
Variant type: single nucleotide variant.
Coding change: c.1276A>T on transcript NM_001126108.2 (MANE Select); coding-DNA position 1276, A replaced by T.
Protein change: p.Asn426Tyr; replaces asparagine 426 with tyrosine.
Molecular consequence: missense variant.
Genome position (GRCh38, 1-based): chr16:56,879,168, A>T. VCF-style: chr16-56879168-A-T. GRCh37 (hg19) VCF-style: chr16-56913080-A-T.
Other names: c.1276A>T, p.Asn426Tyr (NM_000339.3); c.1273A>T, p.Asn425Tyr (NM_001126107.2); short protein forms N426Y, N425Y.
Identifiers: ClinVar variation 403666 (VCV000403666.3), dbSNP rs200817545, ClinGen allele CA16609823.
Genomic context (GRCh38, chr16:56,879,168, plus strand): 5'-AATGACACAGTGACCCCTGGCTGGGGTGCCTGCGAGGGGCTGGCCTGCAGCTATGGCTGG[A>T]ACTTCACCGAGTGCACCCAGCAGCACAGCTGCCACTACGGCCTCATCAACTATTACCAGG-3'
Protein context (NP_001119580.2, residues 416-436): CEGLACSYGW[Asn426Tyr]FTECTQQHSC